The following is an entry in ClinVar:

ClinVar aggregate classification (germline): Uncertain significance (1 of 4 stars; one submission).

Conditions:
Familial cancer of breast. Also called: Hereditary breast cancer; BREAST CANCER, FAMILIAL; hereditary breast carcinoma. Identifiers: Orphanet 227535, MedGen C0346153, MONDO:0016419, OMIM 114480. Disease mechanism: loss of function.

Submission:

Labcorp Genetics (formerly Invitae), Labcorp
Classification: Uncertain significance for Familial cancer of breast. Last evaluated: 2022-06-27. Review status: criteria provided, single submitter. Criteria: Invitae Variant Classification Sherloc (09022015). Collection method: clinical testing. Allele origin: germline.
Comment: Algorithms developed to predict the effect of missense changes on protein structure and function are either unavailable or do not agree on the potential impact of this missense change (SIFT: "Deleterious"; PolyPhen-2: "Probably Damaging"; Align-GVGD: "Class C0"). This sequence change replaces glycine, which is neutral and non-polar, with valine, which is neutral and non-polar, at codon 227 of the CHEK2 protein (p.Gly227Val). This variant is not present in population databases (gnomAD no frequency). This variant has not been reported in the literature in individuals affected with CHEK2-related conditions. Algorithms developed to predict the effect of sequence changes on RNA splicing suggest that this variant may create or strengthen a splice site. In summary, the available evidence is currently insufficient to determine the role of this variant in disease. Therefore, it has been classified as a Variant of Uncertain Significance.

NM_007194.4(CHEK2):c.680G>T (p.Gly227Val)

Gene: CHEK2 (checkpoint kinase 2; minus strand). Cytogenetic location: 22q12.1.
Variant type: single nucleotide variant.
Coding change: c.680G>T on transcript NM_007194.4 (MANE Select); coding-DNA position 680, G replaced by T.
Protein change: p.Gly227Val; replaces glycine 227 with valine.
Molecular consequence: missense variant. On other transcripts: intron variant (1).
Genome position (GRCh38, 1-based): chr22:28,719,398, C>A on the plus strand (G>T on the coding strand, the complement: CHEK2 is on the minus strand). VCF-style: chr22-28719398-C-A. GRCh37 (hg19) VCF-style: chr22-29115386-C-A.
Other names: c.809G>T, p.Gly270Val (NM_001005735.3, NM_001438294.1); c.17G>T, p.Gly6Val (NM_001257387.3, NM_001437942.1); c.773G>T, p.Gly258Val (NM_001438293.1, NM_001438295.1); c.680G>T, p.Gly227Val (NM_145862.3); c.482+5488G>T (NM_001349956.3); short protein forms G227V, G270V, G6V, G258V.
Identifiers: ClinVar variation 1358497 (VCV001358497.9), dbSNP rs2053689692, ClinGen allele CA411104845.